The following is an entry in ClinVar:

NM_001267550.2(TTN):c.87818del (p.His29273fs)

Genes: TTN-AS1 (TTN antisense RNA 1; plus strand), TTN (titin; minus strand). Cytogenetic location: 2q31.2.
Variant type: Deletion.
Coding change: c.87818del on transcript NM_001267550.2 (MANE Select); coding-DNA position 87818, one base deleted (A; older notation c.87818delA).
Protein change: p.His29273fs; shifts the reading frame from histidine 29273.
Molecular consequence: frameshift variant.
Genome position (GRCh38, 1-based): chr2:178,557,444, T deleted on the plus strand (A on the coding strand, the reverse complement: TTN is on the minus strand). VCF-style (leftmost placement, unchanged base first): chr2-178557443-GT-G. GRCh37 (hg19) VCF-style: chr2-179422170-GT-G.
Other names: c.82895del, p.His27632fs (NM_001256850.1); c.60623del, p.His20208fs (NM_003319.4); c.80114del, p.His26705fs (NM_133378.4); c.60998del, p.His20333fs (NM_133432.3); c.61199del, p.His20400fs (NM_133437.4); short protein forms H20208fs, H20333fs, H20400fs, H26705fs, H27632fs, H29273fs.
Identifiers: ClinVar variation 3757803 (VCV003757803.2).

ClinVar aggregate classification (germline): Likely pathogenic (1 of 4 stars; one submission).

Conditions:
Dilated cardiomyopathy 1G (CMD1G). Identifiers: Orphanet 154, MedGen C1858763, MONDO:0011400, OMIM 604145.
Autosomal recessive limb-girdle muscular dystrophy type 2J (LGMDR10). Also called: Limb-girdle muscular dystrophy, type 2J; MUSCULAR DYSTROPHY, LIMB-GIRDLE, AUTOSOMAL RECESSIVE 10. Identifiers: Orphanet 140922, MedGen C1837342, MONDO:0012127, OMIM 608807.

Submission:

Labcorp Genetics (formerly Invitae), Labcorp
Classification: Likely pathogenic for Dilated cardiomyopathy 1G; Autosomal recessive limb-girdle muscular dystrophy type 2J. Last evaluated: 2025-07-27. Review status: criteria provided, single submitter. Criteria: Invitae Variant Classification Sherloc (09022015). Collection method: clinical testing. Allele origin: germline.
Comment: This sequence change creates a premature translational stop signal (p.His29273Profs*4) in the TTN gene. While this is not anticipated to result in nonsense mediated decay, it is expected to create a truncated TTN protein. This variant is not present in population databases (gnomAD no frequency). This variant has not been reported in the literature in individuals affected with TTN-related conditions. ClinVar contains an entry for this variant (Variation ID: 3757803). This variant is located in the A band of TTN (PMID: 25589632). Truncating variants in this region are significantly overrepresented in patients affected with dilated cardiomyopathy (PMID: 25589632). Truncating variants in this region have also been reported in individuals affected with autosomal recessive centronuclear myopathy (PMID: 23975875). In summary, the currently available evidence indicates that the variant is pathogenic, but additional data are needed to prove that conclusively. Therefore, this variant has been classified as Likely Pathogenic.

Literature cited by the submitters: PubMed 25589632; PubMed 23975875.